The following is an entry in ClinVar:

NM_001983.4(ERCC1):c.526-1G>A

Gene: ERCC1 (ERCC excision repair 1, endonuclease non-catalytic subunit; minus strand). Cytogenetic location: 19q13.32.
Variant type: single nucleotide variant.
Coding change: c.526-1G>A on transcript NM_001983.4 (MANE Select); the canonical splice acceptor site of the intron before coding-DNA position 526, G replaced by A.
Molecular consequence: splice acceptor variant.
Genome position (GRCh38, 1-based): chr19:45,416,898, C>T on the plus strand (G>A on the coding strand, the complement: ERCC1 is on the minus strand). VCF-style: chr19-45416898-C-T. GRCh37 (hg19) VCF-style: chr19-45920156-C-T.
Other names: c.526-1G>A (NM_001369412.1, NM_001369413.1, NM_001369417.1 and 11 more transcripts).
Identifiers: ClinVar variation 1501659 (VCV001501659.7), dbSNP rs750062887, ClinGen allele CA9515400.

ClinVar aggregate classification (germline): Likely pathogenic. Review status: criteria provided, multiple submitters, no conflicts (2 of 4 stars). 2 submissions from 2 submitters: Likely pathogenic (2). Last evaluated 2022-12-16.

Conditions:
ERCC1-related disorders.

Allele frequency attached by ClinVar (database versions not stated): gnomAD exomes 0.00001 and 0.00003; TOPMed 0.00001; ExAC 0.00002; gnomAD 0.00002.
gnomAD v4.1: 40 of 1,611,196 alleles (0.0025%); highest among the groups gnomAD compares: Non-Finnish European, 0.0033%; no homozygotes.

Submissions (2):

Blueprint Genetics
Classification: Likely pathogenic for ERCC1-related disorders. Last evaluated: 2022-12-16. Review status: criteria provided, single submitter. Criteria: ACMG Guidelines, 2015. Collection method: clinical testing. Allele origin: germline. Affected: yes. Observed: 2 variant alleles.

Labcorp Genetics (formerly Invitae), Labcorp
Classification: Likely pathogenic. Last evaluated: 2022-08-30. Review status: criteria provided, single submitter. Criteria: Invitae Variant Classification Sherloc (09022015). Collection method: clinical testing. Allele origin: germline.
Comment: In summary, the currently available evidence indicates that the variant is pathogenic, but additional data are needed to prove that conclusively. Therefore, this variant has been classified as Likely Pathogenic. Algorithms developed to predict the effect of sequence changes on RNA splicing suggest that this variant may disrupt the consensus splice site. ClinVar contains an entry for this variant (Variation ID: 1501659). This variant has not been reported in the literature in individuals affected with ERCC1-related conditions. This variant is present in population databases (rs750062887, gnomAD 0.003%). This sequence change affects an acceptor splice site in intron 4 of the ERCC1 gene. It is expected to disrupt RNA splicing. Variants that disrupt the donor or acceptor splice site typically lead to a loss of protein function (PMID: 16199547), and loss-of-function variants in ERCC1 are known to be pathogenic (PMID: 17273966, 23623389, 33315086).

Literature cited by the submitters: PubMed 16199547 (cited by Labcorp Genetics (formerly Invitae), Labcorp); PubMed 17273966 (cited by Labcorp Genetics (formerly Invitae), Labcorp); PubMed 23623389 (cited by Labcorp Genetics (formerly Invitae), Labcorp); PubMed 33315086 (cited by Labcorp Genetics (formerly Invitae), Labcorp).